The following is an entry in ClinVar:

ClinVar aggregate classification (germline): Uncertain significance (1 of 4 stars; one submission).

Conditions:
Limb-girdle muscular dystrophy due to POMK deficiency. Also called: MUSCULAR DYSTROPHY-DYSTROGLYCANOPATHY, LIMB-GIRDLE, POMK-RELATED; Muscular dystrophy-dystroglycanopathy (limb-girdle), type c, 12. Identifiers: Orphanet 445110, MedGen C4015184, MONDO:0014489, OMIM 616094.
Muscular dystrophy-dystroglycanopathy (congenital with brain and eye anomalies), type a, 12 (MDDGA12). Also called: WALKER-WARBURG SYNDROME OR MUSCLE-EYE-BRAIN DISEASE, POMK-RELATED. Identifiers: Orphanet 899, MedGen C3808964, MONDO:0014101, OMIM 615249.

Allele frequency attached by ClinVar (database versions not stated): gnomAD exomes 0.00001.
gnomAD v4.1: 9 of 1,614,154 alleles (0.00056%); highest among the groups gnomAD compares: Non-Finnish European, 0.00068%; no homozygotes.

Submission:

Labcorp Genetics (formerly Invitae), Labcorp
Classification: Uncertain significance for Muscular dystrophy-dystroglycanopathy (congenital with brain and eye anomalies), type a, 12; Limb-girdle muscular dystrophy due to POMK deficiency. Last evaluated: 2022-07-30. Review status: criteria provided, single submitter. Criteria: Invitae Variant Classification Sherloc (09022015). Collection method: clinical testing. Allele origin: germline.
Comment: This sequence change replaces lysine, which is basic and polar, with arginine, which is basic and polar, at codon 104 of the POMK protein (p.Lys104Arg). This variant is present in population databases (no rsID available, gnomAD 0.0009%). This variant has not been reported in the literature in individuals affected with POMK-related conditions. Algorithms developed to predict the effect of missense changes on protein structure and function are either unavailable or do not agree on the potential impact of this missense change (SIFT: "Deleterious"; PolyPhen-2: "Benign"; Align-GVGD: "Class C25"). In summary, the available evidence is currently insufficient to determine the role of this variant in disease. Therefore, it has been classified as a Variant of Uncertain Significance.

NM_032237.5(POMK):c.311A>G (p.Lys104Arg)

Gene: POMK (protein O-mannose kinase; plus strand). Cytogenetic location: 8p11.21.
Variant type: single nucleotide variant.
Coding change: c.311A>G on transcript NM_032237.5 (MANE Select); coding-DNA position 311, A replaced by G.
Protein change: p.Lys104Arg; replaces lysine 104 with arginine.
Molecular consequence: missense variant.
Genome position (GRCh38, 1-based): chr8:43,122,135, A>G. VCF-style: chr8-43122135-A-G. GRCh37 (hg19) VCF-style: chr8-42977278-A-G.
Other names: c.311A>G, p.Lys104Arg (NM_001277971.2); short protein forms K104R.
Identifiers: ClinVar variation 2145630 (VCV002145630.4), dbSNP rs760891127, ClinGen allele CA371120946.